The following is an entry in ClinVar:

NM_003477.3(PDHX):c.151T>A (p.Trp51Arg)

Genes: PDHX (pyruvate dehydrogenase complex component X; plus strand), LOC130005549 (ATAC-STARR-seq lymphoblastoid active region 4608; plus strand). Cytogenetic location: 11p13.
Variant type: single nucleotide variant.
Coding change: c.151T>A on transcript NM_003477.3 (MANE Select); coding-DNA position 151, T replaced by A.
Protein change: p.Trp51Arg; replaces tryptophan 51 with arginine.
Molecular consequence: missense variant. On other transcripts: intron variant (1).
Genome position (GRCh38, 1-based): chr11:34,916,806, T>A. VCF-style: chr11-34916806-T-A. GRCh37 (hg19) VCF-style: chr11-34938353-T-A.
Other names: c.151T>A, p.Trp51Arg (NM_001166158.2); c.-21+320T>A (NM_001135024.2); short protein forms W51R.
Identifiers: ClinVar variation 1352733 (VCV001352733.6), dbSNP rs2133932214, ClinGen allele CA380124041.

ClinVar aggregate classification (germline): Uncertain significance (1 of 4 stars; one submission).

Submission:

Labcorp Genetics (formerly Invitae), Labcorp
Classification: Uncertain significance. Last evaluated: 2022-06-05. Review status: criteria provided, single submitter. Criteria: Invitae Variant Classification Sherloc (09022015). Collection method: clinical testing. Allele origin: germline.
Comment: This variant is not present in population databases (gnomAD no frequency). This variant has not been reported in the literature in individuals affected with PDHX-related conditions. ClinVar contains an entry for this variant (Variation ID: 1352733). Algorithms developed to predict the effect of missense changes on protein structure and function output the following: SIFT: "Tolerated"; PolyPhen-2: "Benign"; Align-GVGD: "Class C0". The arginine amino acid residue is found in multiple mammalian species, which suggests that this missense change does not adversely affect protein function. In summary, the available evidence is currently insufficient to determine the role of this variant in disease. Therefore, it has been classified as a Variant of Uncertain Significance. This sequence change replaces tryptophan, which is neutral and slightly polar, with arginine, which is basic and polar, at codon 51 of the PDHX protein (p.Trp51Arg).